The following is an entry in ClinVar:

ClinVar aggregate classification (germline): Uncertain significance (1 of 4 stars; one submission).

Conditions:
Hereditary spastic paraplegia 3A (SPG3A). Also called: Spastic paraplegia 3A, autosomal dominant; SPASTIC PARAPLEGIA 3, AUTOSOMAL DOMINANT; FAMILIAL SPASTIC PARAPLEGIA, AUTOSOMAL DOMINANT, 1; SPG3; STRUMPELL DISEASE; Spastic Paraplegia 3A. Identifiers: Orphanet 100984, MedGen C2931355, MONDO:0008437, OMIM 182600.

Submission:

MGZ Medical Genetics Center
Classification: Uncertain significance for Hereditary spastic paraplegia 3A. Last evaluated: 2022-06-28. Review status: criteria provided, single submitter. Criteria: ACMG Guidelines, 2015. Collection method: clinical testing. Allele origin: germline. Affected: yes. Observed: 1 variant allele.
Comment: ACMG criteria applied: PM2_SUP, PP3

NM_015915.5(ATL1):c.1358T>C (p.Val453Ala)

Gene: ATL1 (atlastin GTPase 1; plus strand). Cytogenetic location: 14q22.1.
Variant type: single nucleotide variant.
Coding change: c.1358T>C on transcript NM_015915.5 (MANE Select); coding-DNA position 1358, T replaced by C.
Protein change: p.Val453Ala; replaces valine 453 with alanine.
Molecular consequence: missense variant.
Genome position (GRCh38, 1-based): chr14:50,628,269, T>C. VCF-style: chr14-50628269-T-C. GRCh37 (hg19) VCF-style: chr14-51094987-T-C.
Other names: c.1358T>C, p.Val453Ala (NM_001127713.1, NM_181598.4); short protein forms V453A.
Identifiers: ClinVar variation 1709513 (VCV001709513.2), dbSNP rs2504577950, ClinGen allele CA389676115.